The following is an entry in ClinVar:

NM_002860.4(ALDH18A1):c.2024T>C (p.Ile675Thr)

Gene: ALDH18A1 (aldehyde dehydrogenase 18 family member A1; minus strand). Cytogenetic location: 10q24.1.
Variant type: single nucleotide variant.
Coding change: c.2024T>C on transcript NM_002860.4 (MANE Select); coding-DNA position 2024, T replaced by C.
Protein change: p.Ile675Thr; replaces isoleucine 675 with threonine.
Molecular consequence: missense variant.
Genome position (GRCh38, 1-based): chr10:95,611,342, A>G on the plus strand (T>C on the coding strand, the complement: ALDH18A1 is on the minus strand). VCF-style: chr10-95611342-A-G. GRCh37 (hg19) VCF-style: chr10-97371099-A-G.
Other names: c.2024T>C (NM_002860.3); c.2018T>C, p.Ile673Thr (NM_001017423.2, NM_001323415.2); c.1691T>C, p.Ile564Thr (NM_001323412.2, NM_001323416.2); c.2024T>C, p.Ile675Thr (NM_001323413.2, NM_001323414.2); c.1919T>C, p.Ile640Thr (NM_001323417.2); c.1685T>C, p.Ile562Thr (NM_001323418.2); c.1388T>C, p.Ile463Thr (NM_001323419.2); short protein forms I463T, I562T, I564T, I640T, I673T, I675T.
Identifiers: ClinVar variation 981455 (VCV000981455.7), dbSNP rs989031241, ClinGen allele CA211787829.
Genomic context (GRCh38, chr10:95,611,342, plus strand): 5'-TGGGAGCTGCCATACTTGTGGATGTGGTCAATGGCATCCTGAACGTTGTCCACTACTTCA[A>G]TGCATAATTCCAGGTCCCCATACTCAGTTCGGAGTGACTTCACTTCGGAGGGGCTGAAGG-3'
Protein context (NP_002851.2, residues 665-685): RTEYGDLELC[Ile675Thr]EVVDNVQDAI

ClinVar aggregate classification (germline): Conflicting classifications of pathogenicity. Review status: criteria provided, conflicting classifications (1 of 4 stars). 4 submissions from 4 submitters: Likely pathogenic (1); Uncertain significance (3). Last evaluated 2026-08-11.

Conditions:
Cutis laxa, autosomal dominant 3 (ADCL3). Identifiers: Orphanet 90348, MedGen C4225268, MONDO:0014706, OMIM 616603.
de Barsy syndrome. Also called: Cutis laxa-corneal clouding-oligophrenia syndrome. Identifiers: Orphanet 2962, MedGen C0268354, MONDO:0017569.
Autosomal dominant spastic paraplegia type 9. Identifiers: MedGen C1832669, MONDO:0015091.
ALDH18A1-related disorder. Also called: ALDH18A1-related disorders.
Intellectual disability. Also called: Intellectual developmental disorder; Intellectual functioning disability; intellectual disabilities. Identifiers: MedGen C3714756, MeSH D008607, MONDO:0001071, HP:0001249.

Allele frequency attached by ClinVar (database versions not stated): gnomAD exomes below 0.00001; TOPMed 0.00002.
gnomAD v4.1: 6 of 1,614,230 alleles (0.00037%); highest among the groups gnomAD compares: Admixed American, 0.0017%; no homozygotes.

Submissions (4):

PreventionGenetics, part of Exact Sciences
Classification: Uncertain significance for ALDH18A1-related condition. Last evaluated: 2026-08-11. Review status: criteria provided, single submitter. Criteria: ACMG Guidelines, 2015. Collection method: clinical testing. Allele origin: germline.
Comment: The ALDH18A1 c.2024T>C variant is predicted to result in the amino acid substitution p.Ile675Thr. To our knowledge, this variant has not been reported in the literature or in a large population database (gnomAD), indicating this variant is rare. At this time, the clinical significance of this variant is uncertain due to the absence of conclusive functional and genetic evidence.

Dasa
Classification: Uncertain significance. Last evaluated: 2025-09-18. Review status: criteria provided, single submitter. Criteria: DASA Assertion Criteria. Collection method: clinical testing. Allele origin: germline.
Comment: NM_002860.4(ALDH18A1):c.2024T>C (p.Ile675Thr) is a missense variant that results in the substitution of isoleucine with threonine. This variant is rare in population databases. Computational prediction algorithms are consistent with a deleterious effect. The currently available literature and clinical evidence are not sufficient to establish a definitive association between this variant and the reported condition. Therefore, this variant is classified as a variant of uncertain significance.

Labcorp Genetics (formerly Invitae), Labcorp
Classification: Uncertain significance for Autosomal dominant spastic paraplegia type 9; de Barsy syndrome; Cutis laxa, autosomal dominant 3. Last evaluated: 2025-03-19. Review status: criteria provided, single submitter. Criteria: Invitae Variant Classification Sherloc (09022015). Collection method: clinical testing. Allele origin: germline.
Comment: This sequence change replaces isoleucine, which is neutral and non-polar, with threonine, which is neutral and polar, at codon 675 of the ALDH18A1 protein (p.Ile675Thr). This variant is not present in population databases (gnomAD no frequency). This variant has not been reported in the literature in individuals affected with ALDH18A1-related conditions. ClinVar contains an entry for this variant (Variation ID: 981455). Invitae Evidence Modeling of protein sequence and biophysical properties (such as structural, functional, and spatial information, amino acid conservation, physicochemical variation, residue mobility, and thermodynamic stability) has been performed for this missense variant. However, the output from this modeling did not meet the statistical confidence thresholds required to predict the impact of this variant on ALDH18A1 protein function. In summary, the available evidence is currently insufficient to determine the role of this variant in disease. Therefore, it has been classified as a Variant of Uncertain Significance.

Diagnostic Laboratory, Strasbourg University Hospital
Classification: Likely pathogenic for Intellectual disability. Last evaluated: 2020-09-10. Review status: criteria provided, single submitter. Criteria: ACMG Guidelines, 2015. Collection method: clinical testing. Allele origin: unknown. Affected: yes. Observed: 1 compound heterozygote.